The following is an entry in ClinVar:

ClinVar aggregate classification (germline): Conflicting classifications of pathogenicity. Review status: criteria provided, conflicting classifications (1 of 4 stars). 2 submissions from 2 submitters: Likely pathogenic (1); Uncertain significance (1). Last evaluated 2022-09-23.

Conditions:
Hereditary spastic paraplegia 18. Identifiers: Orphanet 209951, MedGen C2749936, MONDO:0012639.
Spastic paraplegia, autosomal dominant. Also called: Autosomal dominant hereditary spastic paraplegia. Identifiers: MedGen C0751602.

Submissions (2):

Baylor Genetics
Classification: Uncertain significance for Spastic paraplegia 18b, autosomal recessive. Last evaluated: 2022-09-23. Review status: criteria provided, single submitter. Criteria: ACMG Guidelines, 2015. Collection method: clinical testing. Allele origin: unknown.

Breda Genetics srl
Classification: Likely pathogenic for Spastic paraplegia, autosomal dominant. Last evaluated: 2021-05-18. Review status: criteria provided, single submitter. Criteria: ACMG Guidelines, 2015. Collection method: clinical testing. Allele origin: de novo. Inheritance: Autosomal dominant inheritance. Affected: yes. Observed: 1 variant allele, 1 heterozygote.
Comment: The variant c.356A> G (p.Lys119Arg) in the ERLIN2 gene is reported as likely pathogenic when de novo, for hereditary spastic paraplegia 18 in ClinVar (Variation ID:1032526). There is no information on frequency in gnomAD database. The nucleotide position is highly conserved across 35 mammalian species (GERP RS: 6.16). In silico analysis indicates that the variant might be damaging.

NM_007175.8(ERLIN2):c.356A>G (p.Lys119Arg)

Gene: ERLIN2 (ER lipid raft associated 2; plus strand). Cytogenetic location: 8p11.23.
Variant type: single nucleotide variant.
Coding change: c.356A>G on transcript NM_007175.8 (MANE Select); coding-DNA position 356, A replaced by G.
Protein change: p.Lys119Arg; replaces lysine 119 with arginine.
Molecular consequence: missense variant.
Genome position (GRCh38, 1-based): chr8:37,744,628, A>G. VCF-style: chr8-37744628-A-G. GRCh37 (hg19) VCF-style: chr8-37602146-A-G.
Other names: c.356A>G, p.Lys119Arg (NM_001003790.4, NM_001003791.3, NM_001362878.2 and 1 more transcripts); short protein forms K119R.
Identifiers: ClinVar variation 1032526 (VCV001032526.3), dbSNP rs1802974214, ClinGen allele CA370652485.